The following is an entry in ClinVar:

NM_004789.4(LHX2):c.12_13del (p.His4fs)

Gene: LHX2 (LIM homeobox 2; plus strand). Cytogenetic location: 9q33.3.
Variant type: Microsatellite.
Coding change: c.12_13del on transcript NM_004789.4 (MANE Select); coding-DNA positions 12 to 13, 2 bases deleted (CA; older notation c.12_13delCA).
Protein change: p.His4fs; shifts the reading frame from histidine 4.
Molecular consequence: frameshift variant.
Genome position (GRCh38, 1-based): chr9:124,012,360-124,012,361, CA deleted; deleting any 2 consecutive bases within chr9:124,012,358-124,012,361 gives the same sequence; the c. name uses the placement nearest the transcript's 3' end. VCF-style (leftmost placement, unchanged base first): chr9-124012357-CCA-C. GRCh37 (hg19) VCF-style: chr9-126774636-CCA-C.
Other names: short protein forms H4fs.
Identifiers: ClinVar variation 3764376 (VCV003764376.1).
Genomic context (GRCh38, chr9:124,012,357, plus strand): 5'-GCAAGCCCTCCCTCGGAGGAGCCGCGCCCCCGGCCCCGCCGGTCCCGCCGCGATGCTGTT[CCA>C]CAGTCTGTCGGGCCCCGAGGTGCACGGGGTCATCGACGAGATGGACCGCAGGGCCAAGAG-3'

ClinVar aggregate classification (germline): Uncertain significance (1 of 4 stars; one submission).

Submission:

GeneDx
Classification: Uncertain significance. Last evaluated: 2024-08-23. Review status: criteria provided, single submitter. Criteria: GeneDx Variant Classification Process June 2021. Collection method: clinical testing. Allele origin: germline. Affected: yes.
Comment: Frameshift variant predicted to result in protein truncation or nonsense mediated decay in a gene for which loss of function is a known mechanism of disease; Has not been previously published as pathogenic or benign to our knowledge